The following is an entry in ClinVar:

NM_015378.4(VPS13D):c.7834G>C (p.Val2612Leu)

Gene: VPS13D (vacuolar protein sorting 13 homolog D; plus strand). Cytogenetic location: 1p36.22.
Variant type: single nucleotide variant.
Coding change: c.7834G>C on transcript NM_015378.4 (MANE Select); coding-DNA position 7834, G replaced by C.
Protein change: p.Val2612Leu; replaces valine 2612 with leucine.
Molecular consequence: missense variant.
Genome position (GRCh38, 1-based): chr1:12,322,665, G>C. VCF-style: chr1-12322665-G-C. GRCh37 (hg19) VCF-style: chr1-12382722-G-C.
Other names: c.7834G>C, p.Val2612Leu (NM_018156.4); short protein forms V2612L.
Identifiers: ClinVar variation 1965448 (VCV001965448.5), dbSNP rs139303925, ClinGen allele CA338482966.

ClinVar aggregate classification (germline): Uncertain significance (1 of 4 stars; one submission).

gnomAD v4.1: 1 of 1,614,212 alleles (0.000062%); highest among the groups gnomAD compares: Non-Finnish European, 0.000085%; no homozygotes.

Submission:

Labcorp Genetics (formerly Invitae), Labcorp
Classification: Uncertain significance. Last evaluated: 2022-06-20. Review status: criteria provided, single submitter. Criteria: Invitae Variant Classification Sherloc (09022015). Collection method: clinical testing. Allele origin: germline.
Comment: This sequence change replaces valine, which is neutral and non-polar, with leucine, which is neutral and non-polar, at codon 2612 of the VPS13D protein (p.Val2612Leu). This variant is not present in population databases (gnomAD no frequency). This variant has not been reported in the literature in individuals affected with VPS13D-related conditions. Algorithms developed to predict the effect of missense changes on protein structure and function output the following: SIFT: "Not Available"; PolyPhen-2: "Benign"; Align-GVGD: "Not Available". The leucine amino acid residue is found in multiple mammalian species, which suggests that this missense change does not adversely affect protein function. In summary, the available evidence is currently insufficient to determine the role of this variant in disease. Therefore, it has been classified as a Variant of Uncertain Significance.